The following is an entry in ClinVar:

NM_005216.5(DDOST):c.1028T>C (p.Ile343Thr)

Gene: DDOST (dolichyl-diphosphooligosaccharide--protein glycosyltransferase non-catalytic subunit; minus strand). Cytogenetic location: 1p36.12.
Variant type: single nucleotide variant.
Coding change: c.1028T>C on transcript NM_005216.5 (MANE Select); coding-DNA position 1028, T replaced by C.
Protein change: p.Ile343Thr; replaces isoleucine 343 with threonine.
Molecular consequence: missense variant.
Genome position (GRCh38, 1-based): chr1:20,652,886, A>G on the plus strand (T>C on the coding strand, the complement: DDOST is on the minus strand). VCF-style: chr1-20652886-A-G. GRCh37 (hg19) VCF-style: chr1-20979379-A-G.
Other names: short protein forms I343T.
Identifiers: ClinVar variation 2500316 (VCV002500316.1), dbSNP rs2053312234, ClinGen allele CA338847002.

ClinVar aggregate classification (germline): Uncertain significance (1 of 4 stars; one submission).

Conditions:
Congenital disorder of glycosylation type Ir (CDG1R). Also called: DDOST-congenital disorder of glycosylation. Identifiers: Orphanet 300536, MedGen C3281084, MONDO:0013789, OMIM 614507.

Allele frequency attached by ClinVar (database versions not stated): gnomAD exomes below 0.00001; TOPMed below 0.00001.
gnomAD v4.1: 1 of 1,614,228 alleles (0.000062%); highest among the groups gnomAD compares: African/African-American, 0.0013%; no homozygotes.

Submission:

Institute of Human Genetics, University of Leipzig Medical Center
Classification: Uncertain significance for Congenital disorder of glycosylation type Ir. Last evaluated: 2023-03-29. Review status: criteria provided, single submitter. Criteria: ACMG Guidelines, 2015. Collection method: clinical testing. Allele origin: unknown. Affected: yes.
Comment: This variant was identified as homozygous._x000D_ Criteria applied: PM2_SUP, PM3_SUP, PP3